The following is an entry in ClinVar:

NC_000019.9:g.(?_2430909)_(4171966_?)del

Genes: APBA3 (amyloid beta precursor protein binding family A member 3; minus strand), ATCAY (ATCAY kinesin light chain interacting caytaxin; plus strand), CACTIN (cactin, spliceosome C complex subunit; minus strand), CELF5 (CUGBP Elav-like family member 5; plus strand), CREB3L3 (cAMP responsive element binding protein 3 like 3; plus strand) and 39 more. Cytogenetic location: 19p13.3.
Variant type: Deletion.
Identifiers: ClinVar variation 3248515 (VCV003248515.1).

ClinVar aggregate classification (germline): Uncertain significance (1 of 4 stars; one submission).

Conditions:
RASopathy. Also called: rasopathies; Noonan spectrum disorder. Identifiers: Orphanet 536391, MedGen C5555857, MONDO:0021060.

Submission:

Labcorp Genetics (formerly Invitae), Labcorp
Classification: Uncertain significance for RASopathy. Last evaluated: 2023-07-17. Review status: criteria provided, single submitter. Criteria: Invitae Variant Classification Sherloc (09022015). Collection method: clinical testing. Allele origin: unknown.
Comment: A gross deletion of the genomic region encompassing the full coding sequence of the MAP2K2 gene has been identified. The current clinical and genetic evidence is not sufficient to establish whether loss-of-function variants in MAP2K2 cause disease. The boundaries of this event are unknown as they extend beyond the assayed region for this gene and therefore may encompass additional genes. Isolated whole-gene deletions of MAP2K2 have not been reported in the literature. However, larger copy number events that include this gene have been reported (PMID: 23379592, 27257017, 27751966). In summary, the available evidence is currently insufficient to determine the role of this variant in disease. Therefore, it has been classified as a Variant of Uncertain Significance.

Literature cited by the submitters: PubMed 23379592; PubMed 27257017; PubMed 27751966.